The following is an entry in ClinVar:

Single allele

Genes: ANKFN1 (ankyrin repeat and fibronectin type III domain containing 1; plus strand), NOG (noggin; plus strand). Cytogenetic location: 17q22.
Variant type: Deletion.
Identifiers: ClinVar variation 987739 (VCV000987739.2).

ClinVar aggregate classification (germline): Pathogenic (0 of 4 stars; one submission).

Conditions:
Stapes ankylosis with broad thumbs and toes. Also called: ANKYLOSIS OF STAPES, HYPEROPIA, BROAD THUMBS, BROAD FIRST TOES, AND SYNDACTYLY; STAPES ANKYLOSIS SYNDROME WITHOUT SYMPHALANGISM; TEUNISSEN-CREMERS SYNDROME. Identifiers: Orphanet 140917, MedGen C1866656, MONDO:0008484, OMIM 184460.

Submission:

Laboratory of Prof. Karen Avraham, Tel Aviv University
Classification: Pathogenic for Stapes ankylosis with broad thumbs and toes. Last evaluated: 2020-10-18. Review status: no assertion criteria provided. Collection method: case-control. Allele origin: germline. Inheritance: Autosomal dominant inheritance. Affected: yes. Observed: 1 heterozygote.
Comment: Congenital conductive hearing loss and hyperopia